The following is an entry in ClinVar:

NM_001077415.3(CRELD1):c.726G>T (p.Lys242Asn)

Gene: CRELD1 (cysteine rich with EGF like domains 1; plus strand). Cytogenetic location: 3p25.3.
Variant type: single nucleotide variant.
Coding change: c.726G>T on transcript NM_001077415.3 (MANE Select); coding-DNA position 726, G replaced by T.
Protein change: p.Lys242Asn; replaces lysine 242 with asparagine.
Molecular consequence: missense variant. On other transcripts: non-coding transcript variant (3).
Genome position (GRCh38, 1-based): chr3:9,941,199, G>T. VCF-style: chr3-9941199-G-T. GRCh37 (hg19) VCF-style: chr3-9982883-G-T.
Other names: c.726G>T, p.Lys242Asn (NM_001031717.4, NM_001374316.1, NM_001374317.1 and 4 more transcripts); c.726G>T (NM_015513.4); short protein forms K242N.
Identifiers: ClinVar variation 984431 (VCV000984431.4), dbSNP rs911089166, ClinGen allele CA351720614.

ClinVar aggregate classification (germline): Uncertain significance. Review status: criteria provided, single submitter (1 of 4 stars). 2 submissions from 2 submitters: Uncertain significance (1). 1 of the submissions does not count toward it. Last evaluated 2020-10-14.

Conditions:
CRELD1-related disorder. Also called: CRELD1-related condition.
Atrioventricular septal defect, susceptibility to, 2. Identifiers: MedGen C1853508, MONDO:0011650, OMIM 606217.

Allele frequency attached by ClinVar (database versions not stated): gnomAD exomes below 0.00001.
gnomAD v4.1: 1 of 1,613,446 alleles (0.000062%); highest among the groups gnomAD compares: Non-Finnish European, 0.000085%; no homozygotes.

Submissions (2):

HudsonAlpha Institute for Biotechnology
Classification: Uncertain significance for Atrioventricular septal defect, susceptibility to, 2. Last evaluated: 2020-10-14. Review status: criteria provided, single submitter. Criteria: ACMG Guidelines, 2015. Collection method: research. Allele origin: unknown. Observed: 1 variant allele. Study: CSER-SouthSeq.
Comment: ACMG codes:PM2; PP3

PreventionGenetics, part of Exact Sciences
Classification: Uncertain significance for CRELD1-related condition. Last evaluated: 2023-11-29. Review status: no assertion criteria provided. Collection method: clinical testing. Allele origin: germline. Not counted in ClinVar's aggregate classification.
Comment: The CRELD1 c.726G>T variant is predicted to result in the amino acid substitution p.Lys242Asn. To our knowledge, this variant has not been reported in the literature or in a large population database, indicating this variant is rare. At this time, the clinical significance of this variant is uncertain due to the absence of conclusive functional and genetic evidence.